The following is an entry in ClinVar:

ClinVar aggregate classification (germline): Uncertain significance. Review status: criteria provided, multiple submitters, no conflicts (2 of 4 stars). 2 submissions from 2 submitters: Uncertain significance (2). Last evaluated 2025-10-05.

Conditions:
Hereditary cancer-predisposing syndrome. Also called: Tumor predisposition; Hereditary Cancer Syndrome; Hereditary neoplastic syndrome; Neoplastic Syndromes, Hereditary. Identifiers: Orphanet 140162, MedGen C0027672, MeSH D009386, MONDO:0015356.
Hereditary nonpolyposis colorectal neoplasms. Identifiers: MedGen C0009405, MeSH D003123.

Submissions (2):

Labcorp Genetics (formerly Invitae), Labcorp
Classification: Uncertain significance for Hereditary nonpolyposis colorectal neoplasms. Last evaluated: 2025-10-05. Review status: criteria provided, single submitter. Criteria: Invitae Variant Classification Sherloc (09022015). Collection method: clinical testing. Allele origin: germline.
Comment: This sequence change replaces cysteine, which is neutral and slightly polar, with tyrosine, which is neutral and polar, at codon 812 of the PMS2 protein (p.Cys812Tyr). The frequency data for this variant in the population databases (gnomAD) is considered unreliable due to the presence of homologous sequence, such as pseudogenes or paralogs, in the genome. This missense change has been observed in individual(s) with clinical features of Lynch syndrome (PMID: 31391288). ClinVar contains an entry for this variant (Variation ID: 486934). Invitae Evidence Modeling incorporating data from in vitro experimental studies (internal data) indicates that this missense variant is expected to disrupt PMS2 function with a positive predictive value of 95%. In summary, the available evidence is currently insufficient to determine the role of this variant in disease. Therefore, it has been classified as a Variant of Uncertain Significance.

Ambry Genetics
Classification: Uncertain significance for Hereditary cancer-predisposing syndrome. Last evaluated: 2016-09-02. Review status: criteria provided, single submitter. Criteria: Ambry Variant Classification Scheme 2023. Collection method: clinical testing. Allele origin: germline.
Comment: The p.C812Y variant (also known as c.2435G>A), located in coding exon 14 of the PMS2 gene, results from a G to A substitution at nucleotide position 2435. The cysteine at codon 812 is replaced by tyrosine, an amino acid with highly dissimilar properties. This variant was not reported in population based cohorts in the following databases: Database of Single Nucleotide Polymorphisms (dbSNP), NHLBI Exome Sequencing Project (ESP), and 1000 Genomes Project. In the ESP, this variant was not observed in 5207 samples (10414 alleles) with coverage at this position. To date, this alteration has been detected with an allele frequency of approximately 0.001% (greater than 150000 alleles tested) in our clinical cohort. This amino acid position is highly conserved in available vertebrate species. In addition, this alteration is predicted to be deleterious by in silico analysis. Since supporting evidence is limited at this time, the clinical significance of this alteration remains unclear.

Literature cited by the submitters: PubMed 31391288 (cited by Labcorp Genetics (formerly Invitae), Labcorp).

NM_000535.7(PMS2):c.2435G>A (p.Cys812Tyr)

Gene: PMS2 (PMS1 homolog 2, mismatch repair system component; minus strand). Cytogenetic location: 7p22.1.
Variant type: single nucleotide variant.
Coding change: c.2435G>A on transcript NM_000535.7 (MANE Select); coding-DNA position 2435, G replaced by A.
Protein change: p.Cys812Tyr; replaces cysteine 812 with tyrosine.
Molecular consequence: missense variant. On other transcripts: non-coding transcript variant (1).
Genome position (GRCh38, 1-based): chr7:5,977,598, C>T on the plus strand (G>A on the coding strand, the complement: PMS2 is on the minus strand). VCF-style: chr7-5977598-C-T. GRCh37 (hg19) VCF-style: chr7-6017229-C-T.
Other names: c.2030G>A, p.Cys677Tyr (NM_001322003.2, NM_001322004.2, NM_001322005.2); c.2279G>A, p.Cys760Tyr (NM_001322006.2); c.2117G>A, p.Cys706Tyr (NM_001322007.2, NM_001322008.2); c.2063G>A, p.Cys688Tyr (NM_001322009.2); c.1874G>A, p.Cys625Tyr (NM_001322010.2); c.1502G>A, p.Cys501Tyr (NM_001322011.2, NM_001322012.2); c.1862G>A, p.Cys621Tyr (NM_001322013.2); c.2468G>A, p.Cys823Tyr (NM_001322014.2); and 1 more; short protein forms C812Y, C501Y, C625Y, C709Y, C760Y, C621Y, C706Y, C677Y.
Identifiers: ClinVar variation 486934 (VCV000486934.14), dbSNP rs876661116, ClinGen allele CA366735561.